The following is an entry in ClinVar:

NM_003070.5(SMARCA2):c.1931A>C (p.Glu644Ala)

Gene: SMARCA2 (SWI/SNF related, matrix associated, actin dependent regulator of chromatin, subfamily a, member 2; plus strand). Cytogenetic location: 9p24.3.
Variant type: single nucleotide variant.
Coding change: c.1931A>C on transcript NM_003070.5 (MANE Select); coding-DNA position 1931, A replaced by C.
Protein change: p.Glu644Ala; replaces glutamic acid 644 with alanine.
Molecular consequence: missense variant.
Genome position (GRCh38, 1-based): chr9:2,073,619, A>C. VCF-style: chr9-2073619-A-C. GRCh37 (hg19) VCF-style: chr9-2073619-A-C.
Other names: c.1931A>C, p.Glu644Ala (NM_001289396.2, NM_001289397.2, NM_139045.4); short protein forms E644A.
Identifiers: ClinVar variation 1314988 (VCV001314988.2), dbSNP rs2130427978, ClinGen allele CA372783349.

ClinVar aggregate classification (germline): Uncertain significance (1 of 4 stars; one submission).

Submission:

GeneDx
Classification: Uncertain significance. Last evaluated: 2020-01-27. Review status: criteria provided, single submitter. Criteria: GeneDx Variant Classification Process June 2021. Collection method: clinical testing. Allele origin: germline. Affected: yes.
Comment: Not observed in large population cohorts (Lek et al., 2016); In silico analysis, which includes protein predictors and evolutionary conservation, supports a deleterious effect; Has not been previously published as pathogenic or benign to our knowledge